The following is an entry in ClinVar:

NM_030956.4(TLR10):c.2396G>A (p.Arg799Gln)

Gene: TLR10 (toll like receptor 10; minus strand). Cytogenetic location: 4p14.
Variant type: single nucleotide variant.
Coding change: c.2396G>A on transcript NM_030956.4 (MANE Select); coding-DNA position 2396, G replaced by A.
Protein change: p.Arg799Gln; replaces arginine 799 with glutamine.
Molecular consequence: missense variant.
Genome position (GRCh38, 1-based): chr4:38,773,195, C>T on the plus strand (G>A on the coding strand, the complement: TLR10 is on the minus strand). VCF-style: chr4-38773195-C-T. GRCh37 (hg19) VCF-style: chr4-38774816-C-T.
Other names: c.2396G>A, p.Arg799Gln (NM_001017388.3, NM_001195106.2, NM_001195107.2); c.2354G>A, p.Arg785Gln (NM_001195108.2); short protein forms R785Q, R799Q.
Identifiers: ClinVar variation 2654723 (VCV002654723.24), dbSNP rs4129008, ClinGen allele CA2888754.

ClinVar aggregate classification (germline): Likely benign (1 of 4 stars; one submission).

Allele frequency attached by ClinVar (database versions not stated): 1000 Genomes Project 30x 0.00328; 1000 Genomes Project 0.00339; gnomAD 0.00361; TOPMed 0.00375; ESP Exome Variant Server 0.00454; ExAC 0.00481.

Submission:

CeGaT Center for Human Genetics Tuebingen
Classification: Likely benign. Last evaluated: 2022-12-01. Review status: criteria provided, single submitter. Criteria: CeGaT Center For Human Genetics Tuebingen Variant Classification Criteria Version 2. Collection method: clinical testing. Allele origin: germline. Affected: yes. Observed: 1 variant allele.
Comment: TLR10: BP4, BS2